The following is an entry in ClinVar:

NM_001041.4(SI):c.508T>C (p.Tyr170His)

Gene: SI (sucrase-isomaltase; minus strand). Cytogenetic location: 3q26.1.
Variant type: single nucleotide variant.
Coding change: c.508T>C on transcript NM_001041.4 (MANE Select); coding-DNA position 508, T replaced by C.
Protein change: p.Tyr170His; replaces tyrosine 170 with histidine.
Molecular consequence: missense variant.
Genome position (GRCh38, 1-based): chr3:165,067,467, A>G on the plus strand (T>C on the coding strand, the complement: SI is on the minus strand). VCF-style: chr3-165067467-A-G. GRCh37 (hg19) VCF-style: chr3-164785255-A-G.
Other names: short protein forms Y170H.
Identifiers: ClinVar variation 1061717 (VCV001061717.9), dbSNP rs1714304021, ClinGen allele CA355034516.
Genomic context (GRCh38, chr3:165,067,467, plus strand): 5'-ACAACGTATCAGAAACTGTGGGTCCAGTAAACTCTTTTACATACTGATGAGGAACTTCAT[A>G]TCTTCTATTATTTGGATCAGTAATCTGGAAAGATTTAAGCAAGGTAGCATTACTGGATTC-3'
Protein context (NP_001032.2, residues 160-180): FKITDPNNRR[Tyr170His]EVPHQYVKEF

ClinVar aggregate classification (germline): Uncertain significance (1 of 4 stars; one submission).

Allele frequency attached by ClinVar (database versions not stated): gnomAD exomes below 0.00001; TOPMed below 0.00001; gnomAD 0.00001.
gnomAD v4.1: 6 of 1,610,122 alleles (0.00037%); highest among the groups gnomAD compares: South Asian, 0.0066%; no homozygotes.

Submission:

Labcorp Genetics (formerly Invitae), Labcorp
Classification: Uncertain significance. Last evaluated: 2022-02-10. Review status: criteria provided, single submitter. Criteria: Invitae Variant Classification Sherloc (09022015). Collection method: clinical testing. Allele origin: germline.
Comment: This sequence change replaces tyrosine, which is neutral and polar, with histidine, which is basic and polar, at codon 170 of the SI protein (p.Tyr170His). In summary, the available evidence is currently insufficient to determine the role of this variant in disease. Therefore, it has been classified as a Variant of Uncertain Significance. Advanced modeling of protein sequence and biophysical properties (such as structural, functional, and spatial information, amino acid conservation, physicochemical variation, residue mobility, and thermodynamic stability) performed at Invitae indicates that this missense variant is expected to disrupt SI protein function. ClinVar contains an entry for this variant (Variation ID: 1061717). This variant has not been reported in the literature in individuals affected with SI-related conditions. This variant is not present in population databases (gnomAD no frequency).